The following is an entry in ClinVar:

ClinVar aggregate classification (germline): Uncertain significance (1 of 4 stars; one submission).

gnomAD v4.1: 14 of 1,607,408 alleles (0.00087%); highest among the groups gnomAD compares: Middle Eastern, 0.017%; 1 homozygote.

Submission:

GeneDx
Classification: Uncertain significance. Last evaluated: 2024-10-08. Review status: criteria provided, single submitter. Criteria: GeneDx Variant Classification Process June 2021. Collection method: clinical testing. Allele origin: germline. Affected: yes.
Comment: Not observed at significant frequency in large population cohorts (gnomAD); In silico analysis indicates that this missense variant does not alter protein structure/function; Has not been previously published as pathogenic or benign to our knowledge

NM_144508.5(KNL1):c.2336T>G (p.Leu779Arg)

Gene: KNL1 (kinetochore scaffold 1; plus strand). Cytogenetic location: 15q15.1.
Variant type: single nucleotide variant.
Coding change: c.2336T>G on transcript NM_144508.5 (MANE Select); coding-DNA position 2336, T replaced by G.
Protein change: p.Leu779Arg; replaces leucine 779 with arginine.
Molecular consequence: missense variant.
Genome position (GRCh38, 1-based): chr15:40,622,600, T>G. VCF-style: chr15-40622600-T-G. GRCh37 (hg19) VCF-style: chr15-40914798-T-G.
Other names: c.2414T>G, p.Leu805Arg (NM_170589.5); short protein forms L779R, L805R.
Identifiers: ClinVar variation 3777399 (VCV003777399.1).